The following is an entry in ClinVar:

NM_006073.4(TRDN):c.362ATG[2] (p.Asp123del)

Gene: TRDN (triadin; minus strand). Cytogenetic location: 6q22.31.
Variant type: Microsatellite.
Coding change: c.362ATG[2] on transcript NM_006073.4 (MANE Select); two copies in a row of the 3-base unit ATG starting at c.362; the reference has three copies in a row; one copy, 3 bases deleted.
Protein change: p.Asp123del; deletes aspartic acid 123.
Molecular consequence: inframe deletion.
Genome position (GRCh38, 1-based): chr6:123,548,475-123,548,477, CAT deleted on the plus strand (ATG on the coding strand, the reverse complement: TRDN is on the minus strand); deleting any 3 consecutive bases within chr6:123,548,475-123,548,484 gives the same sequence; the position shown is the placement nearest the transcript's 3' end. VCF-style (leftmost placement, unchanged base first): chr6-123548474-CCAT-C. GRCh37 (hg19) VCF-style: chr6-123869619-CCAT-C.
Other names: c.362ATG[2], p.Asp123del (NM_001251987.2, NM_001256020.2, NM_001256021.2 and 1 more transcripts); c.368_370delATG (NM_006073.2); short protein forms D123del.
Identifiers: ClinVar variation 664627 (VCV000664627.9), dbSNP rs746889615, ClinGen allele CA3984408.

ClinVar aggregate classification (germline): Uncertain significance. Review status: criteria provided, multiple submitters, no conflicts (2 of 4 stars). 3 submissions from 3 submitters: Uncertain significance (3). Last evaluated 2024-08-12.

Conditions:
Catecholaminergic polymorphic ventricular tachycardia 1. Also called: VENTRICULAR TACHYCARDIA, CATECHOLAMINERGIC POLYMORPHIC, 1, WITH OR WITHOUT ATRIAL DYSFUNCTION AND/OR DILATED CARDIOMYOPATHY; VENTRICULAR TACHYCARDIA, STRESS-INDUCED POLYMORPHIC 1; RYR2-Related Catecholaminergic Polymorphic Ventricular Tachycardia. Identifiers: Orphanet 3286, MedGen C1631597, MONDO:0011484, OMIM 604772.
Cardiovascular phenotype. Identifiers: MedGen CN230736.

Submissions (3):

Blueprint Genetics
Classification: Uncertain significance. Last evaluated: 2024-08-12. Review status: criteria provided, single submitter. Criteria: ACMG Guidelines, 2015. Collection method: clinical testing. Allele origin: germline.

Ambry Genetics
Classification: Uncertain significance for Cardiovascular phenotype. Last evaluated: 2024-06-01. Review status: criteria provided, single submitter. Criteria: Ambry Variant Classification Scheme 2023. Collection method: clinical testing. Allele origin: germline.
Comment: The c.368_370delATG variant (also known as p.D123del) is located in coding exon 3 of the TRDN gene. This variant results from an in-frame ATG deletion at nucleotide positions 368 to 370. This results in the in-frame deletion of an aspartic acid at codon 123. This amino acid position is not well conserved in available vertebrate species. In addition, this alteration is predicted to be neutral by in silico analysis (Choi Y et al. PLoS ONE. 2012; 7(10):e46688). Based on the available evidence, the clinical significance of this variant remains unclear.

Labcorp Genetics (formerly Invitae), Labcorp
Classification: Uncertain significance for Catecholaminergic polymorphic ventricular tachycardia 1. Last evaluated: 2022-04-19. Review status: criteria provided, single submitter. Criteria: Invitae Variant Classification Sherloc (09022015). Collection method: clinical testing. Allele origin: germline.
Comment: This variant, c.368_370del, results in the deletion of 1 amino acid(s) of the TRDN protein (p.Asp123del), but otherwise preserves the integrity of the reading frame. This variant is present in population databases (rs746889615, gnomAD 0.007%). This variant has not been reported in the literature in individuals affected with TRDN-related conditions. ClinVar contains an entry for this variant (Variation ID: 664627). Experimental studies and prediction algorithms are not available or were not evaluated, and the functional significance of this variant is currently unknown. Algorithms developed to predict the effect of sequence changes on RNA splicing suggest that this variant may create or strengthen a splice site. In summary, the available evidence is currently insufficient to determine the role of this variant in disease. Therefore, it has been classified as a Variant of Uncertain Significance.